The following is an entry in ClinVar:

NM_000179.3(MSH6):c.1159G>C (p.Asp387His)

Gene: MSH6 (mutS homolog 6; plus strand). Cytogenetic location: 2p16.3.
Variant type: single nucleotide variant.
Coding change: c.1159G>C on transcript NM_000179.3 (MANE Select); coding-DNA position 1159, G replaced by C.
Protein change: p.Asp387His; replaces aspartic acid 387 with histidine.
Molecular consequence: missense variant.
Genome position (GRCh38, 1-based): chr2:47,799,142, G>C. VCF-style: chr2-47799142-G-C. GRCh37 (hg19) VCF-style: chr2-48026281-G-C.
Other names: c.769G>C, p.Asp257His (NM_001281492.2); c.253G>C, p.Asp85His (NM_001281493.2, NM_001281494.2); short protein forms D387H, D85H, D257H.
Identifiers: ClinVar variation 479917 (VCV000479917.26), dbSNP rs746532720, ClinGen allele CA067216.

ClinVar aggregate classification (germline): Conflicting classifications of pathogenicity. Review status: criteria provided, conflicting classifications (1 of 4 stars). 5 submissions from 5 submitters: Uncertain significance (3); Likely benign (1). 1 of the submissions does not count toward it. Last evaluated 2026-02-01.

Conditions:
Hereditary cancer-predisposing syndrome. Also called: Hereditary Cancer Syndrome; Neoplastic Syndromes, Hereditary; Tumor predisposition; Hereditary neoplastic syndrome. Identifiers: Orphanet 140162, MedGen C0027672, MeSH D009386, MONDO:0015356.
Hereditary nonpolyposis colorectal neoplasms. Identifiers: MedGen C0009405, MeSH D003123.
Malignant tumor of breast. Also called: Malignant breast neoplasm; Cancer breast. Identifiers: MedGen C0006142, MONDO:0007254. Disease mechanism: loss of function.

Allele frequency attached by ClinVar (database versions not stated): ExAC 0.00002; gnomAD exomes 0.00002.
gnomAD v4.1: 16 of 1,613,698 alleles (0.00099%); highest among the groups gnomAD compares: South Asian, 0.018%; no homozygotes.

Submissions (5):

Labcorp Genetics (formerly Invitae), Labcorp
Classification: Likely benign for Hereditary nonpolyposis colorectal neoplasms. Last evaluated: 2026-02-01. Review status: criteria provided, single submitter. Criteria: Invitae Variant Classification Sherloc (09022015). Collection method: clinical testing. Allele origin: germline.

Color Diagnostics, LLC DBA Color Health
Classification: Uncertain significance for Hereditary cancer-predisposing syndrome. Last evaluated: 2025-12-16. Review status: criteria provided, single submitter. Criteria: ACMG Guidelines, 2015. Collection method: clinical testing. Allele origin: germline.
Comment: This missense variant replaces aspartic acid with histidine at codon 387 of the MSH6 protein. Computational prediction suggests that this variant may not impact protein structure and function. To our knowledge, functional studies have not been reported for this variant. This variant has not been reported in individuals affected with MSH6-related disorders in the literature. This variant has been identified in 16/1613698 chromosomes in the general population by the Genome Aggregation Database (gnomAD). The available evidence is insufficient to determine the role of this variant in disease conclusively. Therefore, this variant is classified as a Variant of Uncertain Significance.

Ambry Genetics
Classification: Uncertain significance for Hereditary cancer-predisposing syndrome. Last evaluated: 2025-11-24. Review status: criteria provided, single submitter. Criteria: Ambry Variant Classification Scheme 2023. Collection method: clinical testing. Allele origin: germline.
Comment: The p.D387H variant (also known as c.1159G>C), located in coding exon 4 of the MSH6 gene, results from a G to C substitution at nucleotide position 1159. The aspartic acid at codon 387 is replaced by histidine, an amino acid with similar properties. This variant was also observed in 1/3251 individuals who met eligibility criteria for hereditary breast and ovarian cancer syndrome (Lerner-Ellis J et al. J Cancer Res Clin Oncol, 2021 Mar;147:871-879). This amino acid position is not well conserved in available vertebrate species. In addition, the in silico prediction for this alteration is inconclusive. Since supporting evidence is limited at this time, the clinical significance of this alteration remains unclear.

GeneDx
Classification: Uncertain significance. Last evaluated: 2023-02-06. Review status: criteria provided, single submitter. Criteria: GeneDx Variant Classification Process June 2021. Collection method: clinical testing. Allele origin: germline. Affected: yes.
Comment: Not observed at significant frequency in large population cohorts (gnomAD); In silico analysis supports that this missense variant has a deleterious effect on protein structure/function; Has not been previously published as pathogenic or benign to our knowledge; This variant is associated with the following publications: (PMID: 17531815, 21120944)

Department of Pathology and Laboratory Medicine, Sinai Health System
Classification: Uncertain significance for Malignant tumor of breast. Review status: no assertion criteria provided. Collection method: clinical testing. Allele origin: unknown. Affected: yes. Study: The Canadian Open Genetics Repository (COGR). Not counted in ClinVar's aggregate classification.
Comment: The MSH6 p.Asp387His variant was not identified in the literature nor was it identified in the UMD-LSDB database. The variant was identified in dbSNP (ID: rs746532720) as "With Uncertain significance allele", and in ClinVar (classified as uncertain significance by Ambry Genetics and Color). The variant was identified in control databases in 4 of 245722 chromosomes at a frequency of 0.00002 (Genome Aggregation Database Feb 27, 2017). The variant was observed in the South Asian population in 4 of 30776 chromosomes (freq: 0.0001), but not in the African, Other, Latino, European, Ashkenazi Jewish, East Asian, or Finnish populations. The p.Asp387 residue is conserved in mammals and computational analyses (PolyPhen-2, SIFT, AlignGVGD, BLOSUM, MutationTaster) provide inconsistent predictions regarding the impact to the protein; this information is not very predictive of pathogenicity. The variant occurs outside of the splicing consensus sequence and in silico or computational prediction software programs (SpliceSiteFinder, MaxEntScan, NNSPLICE, GeneSplicer) do not predict a difference in splicing. In summary, based on the above information the clinical significance of this variant cannot be determined with certainty at this time. This variant is classified as a variant of uncertain significance.

Literature cited by the submitters: PubMed 32885271 (cited by Ambry Genetics).